The following is an entry in ClinVar:

NM_005359.6(SMAD4):c.386A>G (p.Asn129Ser)

Gene: SMAD4 (SMAD family member 4; plus strand). Cytogenetic location: 18q21.2.
Variant type: single nucleotide variant.
Coding change: c.386A>G on transcript NM_005359.6 (MANE Select); coding-DNA position 386, A replaced by G.
Protein change: p.Asn129Ser; replaces asparagine 129 with serine.
Molecular consequence: missense variant.
Genome position (GRCh38, 1-based): chr18:51,048,822, A>G. VCF-style: chr18-51048822-A-G. GRCh37 (hg19) VCF-style: chr18-48575192-A-G.
Other names: c.386A>G, p.Asn129Ser (NM_001407041.1, NM_001407042.1, NM_001407043.1); short protein forms N129S.
Identifiers: ClinVar variation 2056176 (VCV002056176.5), dbSNP rs2144406032, ClinGen allele CA402458700.
Genomic context (GRCh38, chr18:51,048,822, plus strand): 5'-TAAAACATGTTAAATATTGTCAGTATGCGTTTGACTTAAAATGTGATAGTGTCTGTGTGA[A>G]TCCATATCACTACGAACGAGTTGTATCACCTGGAATTGGTAAGTAGACTTTGCTTTCATC-3'
Protein context (NP_005350.1, residues 119-139): FDLKCDSVCV[Asn129Ser]PYHYERVVSP

ClinVar aggregate classification (germline): Uncertain significance. Review status: criteria provided, multiple submitters, no conflicts (2 of 4 stars). 2 submissions from 2 submitters: Uncertain significance (2). Last evaluated 2025-04-15.

Conditions:
Juvenile polyposis syndrome (JPS). Identifiers: Orphanet 2929, MedGen C0345893, MONDO:0017380, OMIM 174900.

Submissions (2):

GeneDx
Classification: Uncertain significance. Last evaluated: 2025-04-15. Review status: criteria provided, single submitter. Criteria: GeneDx Variant Classification Process June 2021. Collection method: clinical testing. Allele origin: germline. Affected: yes.
Comment: Not observed at significant frequency in large population cohorts (gnomAD); In silico analysis supports that this missense variant has a deleterious effect on protein structure/function; Has not been previously published as pathogenic or benign to our knowledge; This variant is associated with the following publications: (PMID: 15235019, 18823382, 22992590)

Labcorp Genetics (formerly Invitae), Labcorp
Classification: Uncertain significance for Juvenile polyposis syndrome. Last evaluated: 2022-05-24. Review status: criteria provided, single submitter. Criteria: Invitae Variant Classification Sherloc (09022015). Collection method: clinical testing. Allele origin: germline.
Comment: In summary, the available evidence is currently insufficient to determine the role of this variant in disease. Therefore, it has been classified as a Variant of Uncertain Significance. Advanced modeling of protein sequence and biophysical properties (such as structural, functional, and spatial information, amino acid conservation, physicochemical variation, residue mobility, and thermodynamic stability) performed at Invitae indicates that this missense variant is expected to disrupt SMAD4 protein function. This missense change has been observed in individual(s) with clinical features of juvenile polyposis syndrome (Invitae). This variant is not present in population databases (gnomAD no frequency). This sequence change replaces asparagine, which is neutral and polar, with serine, which is neutral and polar, at codon 129 of the SMAD4 protein (p.Asn129Ser).